The following is an entry in ClinVar:

ClinVar aggregate classification (germline): Conflicting classifications of pathogenicity. Review status: criteria provided, conflicting classifications (1 of 4 stars). 2 submissions from 2 submitters: Uncertain significance (1); Benign (1). Last evaluated 2023-12-06.

Conditions:
Dextro-looped transposition of the great arteries. Also called: Dextrotransposition of the great arteries. Identifiers: Orphanet 860, MedGen C3531771, MONDO:0019443, OMIM 608808, HP:0031348.

gnomAD v4.1: 2 of 1,614,172 alleles (0.00012%); highest among the groups gnomAD compares: Admixed American, 0.0017%; no homozygotes.

Submissions (2):

Labcorp Genetics (formerly Invitae), Labcorp
Classification: Benign for Dextro-looped transposition of the great arteries. Last evaluated: 2023-12-06. Review status: criteria provided, single submitter. Criteria: Invitae Variant Classification Sherloc (09022015). Collection method: clinical testing. Allele origin: germline.

GeneDx
Classification: Uncertain significance. Last evaluated: 2022-03-06. Review status: criteria provided, single submitter. Criteria: GeneDx Variant Classification Process June 2021. Collection method: clinical testing. Allele origin: germline. Affected: yes.
Comment: Not observed at significant frequency in large population cohorts (gnomAD); In silico analysis supports that this missense variant has a deleterious effect on protein structure/function; Has not been previously published as pathogenic or benign to our knowledge

NM_015335.5(MED13L):c.5531C>G (p.Thr1844Ser)

Gene: MED13L (mediator complex subunit 13L; minus strand). Cytogenetic location: 12q24.21.
Variant type: single nucleotide variant.
Coding change: c.5531C>G on transcript NM_015335.5 (MANE Select); coding-DNA position 5531, C replaced by G.
Protein change: p.Thr1844Ser; replaces threonine 1844 with serine.
Molecular consequence: missense variant.
Genome position (GRCh38, 1-based): chr12:115,975,572, G>C on the plus strand (C>G on the coding strand, the complement: MED13L is on the minus strand). VCF-style: chr12-115975572-G-C. GRCh37 (hg19) VCF-style: chr12-116413377-G-C.
Other names: short protein forms T1844S.
Identifiers: ClinVar variation 1800546 (VCV001800546.6), dbSNP rs777694778, ClinGen allele CA386879023.